The following is an entry in ClinVar:

ClinVar aggregate classification (germline): Uncertain significance. Review status: criteria provided, multiple submitters, no conflicts (2 of 4 stars). 4 submissions from 4 submitters: Uncertain significance (3). 1 of the submissions does not count toward it. Last evaluated 2021-09-01.

Conditions:
Primary ciliary dyskinesia. Also called: Ciliary dyskinesia. Identifiers: Orphanet 244, MedGen C0008780, MONDO:0016575, HP:0012265.

Allele frequency attached by ClinVar (database versions not stated): gnomAD 0.00001; TOPMed 0.00001; gnomAD exomes 0.00003 and 0.00009; ESP Exome Variant Server 0.00015; ExAC 0.00017.
gnomAD v4.1: 47 of 1,614,020 alleles (0.0029%); highest among the groups gnomAD compares: Non-Finnish European, 0.0033%; no homozygotes.

Submissions (4):

Labcorp Genetics (formerly Invitae), Labcorp
Classification: Uncertain significance for Primary ciliary dyskinesia. Last evaluated: 2021-09-01. Review status: criteria provided, single submitter. Criteria: Invitae Variant Classification Sherloc (09022015). Collection method: clinical testing. Allele origin: germline.
Comment: This sequence change replaces tyrosine with cysteine at codon 536 of the DNAI1 protein (p.Tyr536Cys). The tyrosine residue is moderately conserved and there is a large physicochemical difference between tyrosine and cysteine. This variant is present in population databases (rs144611423, ExAC 0.03%). This missense change has been observed in individual(s) with clinical features of primary ciliary dyskinesia (Invitae). ClinVar contains an entry for this variant (Variation ID: 651525). Algorithms developed to predict the effect of missense changes on protein structure and function are either unavailable or do not agree on the potential impact of this missense change (SIFT: "Tolerated"; PolyPhen-2: "Probably Damaging"; Align-GVGD: "Class C0"). In summary, the available evidence is currently insufficient to determine the role of this variant in disease. Therefore, it has been classified as a Variant of Uncertain Significance.

Blueprint Genetics
Classification: Uncertain significance. Last evaluated: 2019-12-20. Review status: criteria provided, single submitter. Criteria: ACMG Guidelines, 2015. Collection method: clinical testing. Allele origin: germline.

Ambry Genetics
Classification: Uncertain significance for Primary ciliary dyskinesia. Last evaluated: 2015-09-10. Review status: criteria provided, single submitter. Criteria: Ambry Variant Classification Scheme 2023. Collection method: clinical testing. Allele origin: germline.
Comment: The p.Y536C variant (also known as c.1607A>G), located in coding exon 17 of the DNAI1 gene, results from an A to G substitution at nucleotide position 1607. The tyrosine at codon 536 is replaced by cysteine, an amino acid with highly dissimilar properties. This variant was previously reported in the SNPDatabase as rs144611423. Based on data from the NHLBI Exome Sequencing Project (ESP), the G allele has an overall frequency of approximately 0.02% (2/13006) total alleles studied and 0.02% (2/8600) European American alleles. This amino acid position is well conserved in available vertebrate species. In addition, the in silico prediction for this alteration is inconclusive. Since supporting evidence is limited at this time, the clinical significance of p.Y536C remains unclear.

Natera, Inc.
Classification: Uncertain significance for Primary ciliary dyskinesia. Last evaluated: 2021-03-15. Review status: no assertion criteria provided. Collection method: clinical testing. Allele origin: germline. Not counted in ClinVar's aggregate classification.

NM_012144.4(DNAI1):c.1607A>G (p.Tyr536Cys)

Gene: DNAI1 (dynein axonemal intermediate chain 1; plus strand). Cytogenetic location: 9p13.3.
Variant type: single nucleotide variant.
Coding change: c.1607A>G on transcript NM_012144.4 (MANE Select); coding-DNA position 1607, A replaced by G.
Protein change: p.Tyr536Cys; replaces tyrosine 536 with cysteine.
Molecular consequence: missense variant.
Genome position (GRCh38, 1-based): chr9:34,514,431, A>G. VCF-style: chr9-34514431-A-G. GRCh37 (hg19) VCF-style: chr9-34514429-A-G.
Other names: c.1607A>G (NM_012144.2); c.1619A>G, p.Tyr540Cys (NM_001281428.2); short protein forms Y540C, Y536C.
Identifiers: ClinVar variation 651525 (VCV000651525.10), dbSNP rs144611423, ClinGen allele CA5034479.